The following is an entry in ClinVar:

ClinVar aggregate classification (germline): Likely pathogenic (1 of 4 stars; one submission).

Conditions:
Macular corneal dystrophy (MCD). Also called: Macular corneal dystrophy Type I; GROENOUW TYPE II CORNEAL DYSTROPHY. Identifiers: Orphanet 98969, MedGen C1636149, MONDO:0009020, OMIM 217800.

gnomAD v4.1: 1 of 1,609,162 alleles (0.000062%); highest among the groups gnomAD compares: East Asian, 0.0022%; no homozygotes.

Submission:

Labcorp Genetics (formerly Invitae), Labcorp
Classification: Likely pathogenic for Macular corneal dystrophy. Last evaluated: 2025-11-18. Review status: criteria provided, single submitter. Criteria: Invitae Variant Classification Sherloc (09022015). Collection method: clinical testing. Allele origin: germline.
Comment: This sequence change replaces arginine, which is basic and polar, with glycine, which is neutral and non-polar, at codon 211 of the CHST6 protein (p.Arg211Gly). This variant is not present in population databases (gnomAD no frequency). This missense change has been observed in individuals with macular corneal dystrophy (PMID: 20539220, 33987320). Invitae Evidence Modeling of protein sequence and biophysical properties (such as structural, functional, and spatial information, amino acid conservation, physicochemical variation, residue mobility, and thermodynamic stability) indicates that this missense variant is expected to disrupt CHST6 protein function with a positive predictive value of 80%. This variant disrupts the p.Arg211 amino acid residue in CHST6. Other variant(s) that disrupt this residue have been determined to be pathogenic (PMID: 12882775, 21242781). This suggests that this residue is clinically significant, and that variants that disrupt this residue are likely to be disease-causing. In summary, the currently available evidence indicates that the variant is pathogenic, but additional data are needed to prove that conclusively. Therefore, this variant has been classified as Likely Pathogenic.

Literature cited by the submitters: PubMed 20539220; PubMed 33987320; PubMed 12882775; PubMed 21242781.

NM_021615.5(CHST6):c.631C>G (p.Arg211Gly)

Gene: CHST6 (carbohydrate sulfotransferase 6; minus strand). Cytogenetic location: 16q23.1.
Variant type: single nucleotide variant.
Coding change: c.631C>G on transcript NM_021615.5 (MANE Select); coding-DNA position 631, C replaced by G.
Protein change: p.Arg211Gly; replaces arginine 211 with glycine.
Molecular consequence: missense variant.
Genome position (GRCh38, 1-based): chr16:75,479,198, G>C on the plus strand (C>G on the coding strand, the complement: CHST6 is on the minus strand). VCF-style: chr16-75479198-G-C. GRCh37 (hg19) VCF-style: chr16-75513096-G-C.
Other names: short protein forms R211G.
Identifiers: ClinVar variation 4710276 (VCV004710276.1).